The following is an entry in ClinVar:

ClinVar aggregate classification (germline): Uncertain significance (1 of 4 stars; one submission).

Conditions:
Zimmermann-Laband syndrome 1 (ZLS1). Identifiers: Orphanet 3473, MedGen C4551773, MONDO:0024526, OMIM 135500.

Submission:

Centre for Mendelian Genomics, University Medical Centre Ljubljana
Classification: Uncertain significance for Zimmermann-Laband syndrome 1. Last evaluated: 2019-10-02. Review status: criteria provided, single submitter. Criteria: ACMG Guidelines, 2015. Collection method: clinical testing. Allele origin: unknown. Affected: yes.
Comment: This variant was classified as: Uncertain significance. The available evidence on this variant's pathogenicity is insufficient or conflicting. The following ACMG criteria were applied in classifying this variant: PM2,PP2,PP3.

NM_172362.3(KCNH1):c.1958C>T (p.Thr653Ile)

Gene: KCNH1 (potassium voltage-gated channel subfamily H member 1; minus strand). Cytogenetic location: 1q32.2.
Variant type: single nucleotide variant.
Coding change: c.1958C>T on transcript NM_172362.3 (MANE Select); coding-DNA position 1958, C replaced by T.
Protein change: p.Thr653Ile; replaces threonine 653 with isoleucine.
Molecular consequence: missense variant.
Genome position (GRCh38, 1-based): chr1:210,775,502, G>A on the plus strand (C>T on the coding strand, the complement: KCNH1 is on the minus strand). VCF-style: chr1-210775502-G-A. GRCh37 (hg19) VCF-style: chr1-210948844-G-A.
Other names: c.1877C>T, p.Thr626Ile (NM_002238.4); short protein forms T626I, T653I.
Identifiers: ClinVar variation 930362 (VCV000930362.3), dbSNP rs1683842802, ClinGen allele CA344872208.